The following is an entry in ClinVar:

NM_000384.3(APOB):c.13420C>A (p.Gln4474Lys)

Gene: APOB (apolipoprotein B; minus strand). Cytogenetic location: 2p24.1.
Variant type: single nucleotide variant.
Coding change: c.13420C>A on transcript NM_000384.3 (MANE Select); coding-DNA position 13420, C replaced by A.
Protein change: p.Gln4474Lys; replaces glutamine 4474 with lysine.
Molecular consequence: missense variant.
Genome position (GRCh38, 1-based): chr2:21,002,002, G>T on the plus strand (C>A on the coding strand, the complement: APOB is on the minus strand). VCF-style: chr2-21002002-G-T. GRCh37 (hg19) VCF-style: chr2-21224874-G-T.
Other names: short protein forms Q4474K.
Identifiers: ClinVar variation 2942380 (VCV002942380.3), dbSNP rs756281873, ClinGen allele CA345967448.
Genomic context (GRCh38, chr2:21,002,002, plus strand): 5'-GCTGGTGGTAATCAGAAATTATTTTCTTCGTCGCAATGGCCTGGCTTTTAATTATTTCCT[G>T]AGCAGTGGCAGAAAGCTCTGCAATCTTCTCTTTCCCTTTTCCATCTGGATCGGTAAGGAT-3'
Protein context (NP_000375.3, residues 4464-4484): EKIAELSATA[Gln4474Lys]EIIKSQAIAT

ClinVar aggregate classification (germline): Uncertain significance (1 of 4 stars; one submission).

Conditions:
Familial hypobetalipoproteinemia 1. Also called: APOB-Related Familial Hypobetalipoproteinemia; Hypobetalipoproteinemia, normotriglyceridemic; Acanthocytosis with hypobetalipoproteinemia. Identifiers: MedGen C4551990, MONDO:0014252, OMIM 615558.
Hypercholesterolemia, autosomal dominant, type B (FHCL2). Also called: Familial Hypercholesterolemia Type B; APOLIPOPROTEIN B-100, FAMILIAL DEFECTIVE; APOLIPOPROTEIN B-100, FAMILIAL LIGAND-DEFECTIVE; HYPERCHOLESTEROLEMIA, FAMILIAL, DUE TO LIGAND-DEFECTIVE APOLIPOPROTEIN B; Hyperlipoproteinemia Type IIb; Familial hypercholesterolemia 2. Identifiers: MedGen C1704417, MONDO:0007751, OMIM 144010.

Submission:

Labcorp Genetics (formerly Invitae), Labcorp
Classification: Uncertain significance for Familial hypobetalipoproteinemia 1; Hypercholesterolemia, autosomal dominant, type B. Last evaluated: 2022-12-16. Review status: criteria provided, single submitter. Criteria: Invitae Variant Classification Sherloc (09022015). Collection method: clinical testing. Allele origin: germline.
Comment: This sequence change replaces glutamine, which is neutral and polar, with lysine, which is basic and polar, at codon 4474 of the APOB protein (p.Gln4474Lys). In summary, the available evidence is currently insufficient to determine the role of this variant in disease. Therefore, it has been classified as a Variant of Uncertain Significance. Advanced modeling of protein sequence and biophysical properties (such as structural, functional, and spatial information, amino acid conservation, physicochemical variation, residue mobility, and thermodynamic stability) performed at Invitae indicates that this missense variant is not expected to disrupt APOB protein function. This variant has not been reported in the literature in individuals affected with APOB-related conditions. This variant is not present in population databases (gnomAD no frequency).